The following is an entry in ClinVar:

ClinVar aggregate classification (germline): Uncertain significance (1 of 4 stars; one submission).

Submission:

Labcorp Genetics (formerly Invitae), Labcorp
Classification: Uncertain significance. Last evaluated: 2022-01-02. Review status: criteria provided, single submitter. Criteria: Invitae Variant Classification Sherloc (09022015). Collection method: clinical testing. Allele origin: germline.
Comment: In summary, the available evidence is currently insufficient to determine the role of this variant in disease. Therefore, it has been classified as a Variant of Uncertain Significance. Algorithms developed to predict the effect of sequence changes on RNA splicing suggest that this variant may disrupt the consensus splice site. This variant has not been reported in the literature in individuals affected with COQ7-related conditions. This variant is not present in population databases (gnomAD no frequency). This sequence change affects a donor splice site in intron 1 of the COQ7 gene. It is expected to disrupt RNA splicing. Variants that disrupt the donor or acceptor splice site typically lead to a loss of protein function (PMID: 16199547), however the current clinical and genetic evidence is not sufficient to establish whether loss-of-function variants in COQ7 cause disease.

Literature cited by the submitters: PubMed 16199547.

NM_016138.5(COQ7):c.73+1G>A

Genes: COQ7 (coenzyme Q7, hydroxylase; plus strand), LOC130058587 (ATAC-STARR-seq lymphoblastoid silent region 7240; plus strand). Cytogenetic location: 16p12.3.
Variant type: single nucleotide variant.
Coding change: c.73+1G>A on transcript NM_016138.5 (MANE Select); the canonical splice donor site of the intron after coding-DNA position 73, G replaced by A.
Molecular consequence: splice donor variant. On other transcripts: 5 prime UTR variant (1).
Genome position (GRCh38, 1-based): chr16:19,067,738, G>A. VCF-style: chr16-19067738-G-A. GRCh37 (hg19) VCF-style: chr16-19079060-G-A.
Other names: c.-134G>A (NM_001370494.1); c.73+1G>A (NM_001370490.1).
Identifiers: ClinVar variation 2066947 (VCV002066947.4), dbSNP rs2509308753, ClinGen allele CA394917063.